The following is an entry in ClinVar:

ClinVar aggregate classification (germline): Uncertain significance (1 of 4 stars; one submission).

Conditions:
Inborn genetic diseases. Identifiers: MedGen C0950123, MeSH D030342.

Submission:

Ambry Genetics
Classification: Uncertain significance for Inborn genetic diseases. Last evaluated: 2026-02-16. Review status: criteria provided, single submitter. Criteria: Ambry Variant Classification Scheme 2023. Collection method: clinical testing. Allele origin: germline.
Comment: The p.H995Y variant (also known as c.2983C>T), located in coding exon 13 of the ASXL1 gene, results from a C to T substitution at nucleotide position 2983. The histidine at codon 995 is replaced by tyrosine, an amino acid with similar properties. This amino acid position is conserved. In addition, this alteration is predicted to be tolerated by in silico analysis. Based on the available evidence, the clinical significance of this variant remains unclear.

NM_015338.6(ASXL1):c.2983C>T (p.His995Tyr)

Gene: ASXL1 (ASXL transcriptional regulator 1; plus strand). Cytogenetic location: 20q11.21.
Variant type: single nucleotide variant.
Coding change: c.2983C>T on transcript NM_015338.6 (MANE Select); coding-DNA position 2983, C replaced by T.
Protein change: p.His995Tyr; replaces histidine 995 with tyrosine.
Molecular consequence: missense variant.
Genome position (GRCh38, 1-based): chr20:32,435,695, C>T. VCF-style: chr20-32435695-C-T. GRCh37 (hg19) VCF-style: chr20-31023498-C-T.
Other names: c.2800C>T, p.His934Tyr (NM_001363734.1); short protein forms H995Y, H934Y.
Identifiers: ClinVar variation 4825229 (VCV004825229.1).
Genomic context (GRCh38, chr20:32,435,695, plus strand): 5'-TGTCAACAGGTGGACATTGAAAAGCTGAAAATCAACGGAGACTCTGAAGCACTGAGTCCT[C>T]ACGGTGAGTCCACGGATACAGCCTCTGACTTTGAAGGTCACCTCACGGAGGACAGCAGTG-3'
Protein context (NP_056153.2, residues 985-1005): INGDSEALSP[His995Tyr]GESTDTASDF